The following is an entry in ClinVar:

NM_032119.4(ADGRV1):c.22+4G>T

Genes: ADGRV1 (adhesion G protein-coupled receptor V1; plus strand), LOC129994205 (ATAC-STARR-seq lymphoblastoid silent region 16170; plus strand). Cytogenetic location: 5q14.3.
Variant type: single nucleotide variant.
Coding change: c.22+4G>T on transcript NM_032119.4 (MANE Select); 4 bases into the intron after coding-DNA position 22, G replaced by T.
Molecular consequence: intron variant.
Genome position (GRCh38, 1-based): chr5:90,558,921, G>T. VCF-style: chr5-90558921-G-T. GRCh37 (hg19) VCF-style: chr5-89854738-G-T.
Identifiers: ClinVar variation 4717886 (VCV004717886.1).
Genomic context (GRCh38, chr5:90,558,921, plus strand): 5'-GTGGAGGGCCGGCGGGGACCGCCGGGAGCGCGCGGATGTCGGTGTTCCTGGGGCCAGGTA[G>T]GCTATGGCTGAGGGGTGGTGCTGCGAGCATCGCTGAGCCCCAGGGGAGCGCCTCAGCATC-3'

ClinVar aggregate classification (germline): Uncertain significance (1 of 4 stars; one submission).

Submission:

Labcorp Genetics (formerly Invitae), Labcorp
Classification: Uncertain significance. Last evaluated: 2025-12-26. Review status: criteria provided, single submitter. Criteria: Invitae Variant Classification Sherloc (09022015). Collection method: clinical testing. Allele origin: germline.
Comment: This sequence change falls in intron 1 of the ADGRV1 gene. It does not directly change the encoded amino acid sequence of the ADGRV1 protein. It affects a nucleotide within the consensus splice site. This variant is not present in population databases (gnomAD no frequency). This variant has not been reported in the literature in individuals affected with ADGRV1-related conditions. Variants that disrupt the consensus splice site are a relatively common cause of aberrant splicing (PMID: 17576681, 9536098). Algorithms developed to predict the effect of sequence changes on RNA splicing suggest that this variant is not likely to affect RNA splicing. In summary, the available evidence is currently insufficient to determine the role of this variant in disease. Therefore, it has been classified as a Variant of Uncertain Significance.

Literature cited by the submitters: PubMed 17576681; PubMed 9536098.